The following is an entry in ClinVar:

NM_001128148.3(TFRC):c.1765G>T (p.Ala589Ser)

Gene: TFRC (transferrin receptor; minus strand). Cytogenetic location: 3q29.
Variant type: single nucleotide variant.
Coding change: c.1765G>T on transcript NM_001128148.3 (MANE Select); coding-DNA position 1765, G replaced by T.
Protein change: p.Ala589Ser; replaces alanine 589 with serine.
Molecular consequence: missense variant.
Genome position (GRCh38, 1-based): chr3:196,055,214, C>A on the plus strand (G>T on the coding strand, the complement: TFRC is on the minus strand). VCF-style: chr3-196055214-C-A. GRCh37 (hg19) VCF-style: chr3-195782085-C-A.
Other names: c.1522G>T, p.Ala508Ser (NM_001313965.2); c.919G>T, p.Ala307Ser (NM_001313966.2); c.1765G>T, p.Ala589Ser (NM_003234.4); short protein forms A508S, A307S, A589S.
Identifiers: ClinVar variation 2120239 (VCV002120239.4), dbSNP rs2473937590, ClinGen allele CA355563297.
Genomic context (GRCh38, chr3:196,055,214, plus strand): 5'-GGTTCAATTCAACATCATGGGTTAGTTTAATCACGAACTGACCAGCGACCTCTGCAGCTG[C>A]TCGTGCCACTTTGTTCAACTCAGGAATCCTCTCAATCAGTTCCTTATAGGTGTCCATGGT-3'
Protein context (NP_001121620.1, residues 579-599): RIPELNKVAR[Ala589Ser]AAEVAGQFVI

ClinVar aggregate classification (germline): Uncertain significance (1 of 4 stars; one submission).

Submission:

Labcorp Genetics (formerly Invitae), Labcorp
Classification: Uncertain significance. Last evaluated: 2022-04-01. Review status: criteria provided, single submitter. Criteria: Invitae Variant Classification Sherloc (09022015). Collection method: clinical testing. Allele origin: germline.
Comment: In summary, the available evidence is currently insufficient to determine the role of this variant in disease. Therefore, it has been classified as a Variant of Uncertain Significance. Algorithms developed to predict the effect of missense changes on protein structure and function (SIFT, PolyPhen-2, Align-GVGD) all suggest that this variant is likely to be tolerated. This variant has not been reported in the literature in individuals affected with TFRC-related conditions. This variant is not present in population databases (gnomAD no frequency). This sequence change replaces alanine, which is neutral and non-polar, with serine, which is neutral and polar, at codon 589 of the TFRC protein (p.Ala589Ser).